The following is an entry in ClinVar:

NM_000317.3(PTS):c.297C>A (p.Tyr99Ter)

Gene: PTS (6-pyruvoyltetrahydropterin synthase; plus strand). Cytogenetic location: 11q23.1.
Variant type: single nucleotide variant.
Coding change: c.297C>A on transcript NM_000317.3 (MANE Select); coding-DNA position 297, C replaced by A.
Protein change: p.Tyr99Ter; replaces tyrosine 99 with a stop codon.
Molecular consequence: nonsense.
Genome position (GRCh38, 1-based): chr11:112,233,216, C>A. VCF-style: chr11-112233216-C-A. GRCh37 (hg19) VCF-style: chr11-112103939-C-A.
Other names: short protein forms Y99*.
Identifiers: ClinVar variation 370413 (VCV000370413.21), dbSNP rs145882709, ClinGen allele CA6278562.

ClinVar aggregate classification (germline): Pathogenic/Likely pathogenic. Review status: criteria provided, multiple submitters, no conflicts (2 of 4 stars). 5 submissions from 5 submitters: Pathogenic (2); Likely pathogenic (1). 2 of the submissions do not count toward it. Last evaluated 2026-01-20.

Conditions:
6-Pyruvoyl-tetrahydrobiopterin synthase deficiency. Also called: PTS-Related Tetrahydrobiopterin Deficiency; HYPERPHENYLALANINEMIA, TETRAHYDROBIOPTERIN-DEFICIENT, DUE TO PTS DEFICIENCY; BH4-deficient hyperphenylalaninemia A; PTS DEFICIENCY; 6-Pyruvoyltetrahydropterin Synthase Deficiency; Hyperphenylalanemia, BH4-deficient, A. Identifiers: Orphanet 13, Orphanet 238583, MedGen C0878676, MONDO:0009863, OMIM 261640.

Allele frequency attached by ClinVar (database versions not stated): ExAC 0.00001; gnomAD 0.00001; TOPMed 0.00002; gnomAD exomes 0.00003; ESP Exome Variant Server 0.00008.
gnomAD v4.1: 39 of 1,613,894 alleles (0.0024%); highest among the groups gnomAD compares: Non-Finnish European, 0.0031%; no homozygotes.

Submissions (5):

Labcorp Genetics (formerly Invitae), Labcorp
Classification: Pathogenic for 6-Pyruvoyl-tetrahydrobiopterin synthase deficiency. Last evaluated: 2026-01-20. Review status: criteria provided, single submitter. Criteria: Invitae Variant Classification Sherloc (09022015). Collection method: clinical testing. Allele origin: germline.
Comment: This sequence change creates a premature translational stop signal (p.Tyr99*) in the PTS gene. While this is not anticipated to result in nonsense mediated decay, it is expected to disrupt the last 47 amino acid(s) of the PTS protein. This variant is present in population databases (rs145882709, gnomAD 0.005%). This premature translational stop signal has been observed in individual(s) with PTS-related conditions (PMID: 16917893, 23942198, 27246466). ClinVar contains an entry for this variant (Variation ID: 370413). For these reasons, this variant has been classified as Pathogenic.

GeneDx
Classification: Likely pathogenic. Last evaluated: 2024-09-13. Review status: criteria provided, single submitter. Criteria: GeneDx Variant Classification Process June 2021. Collection method: clinical testing. Allele origin: germline. Affected: yes.
Comment: Nonsense variant predicted to result in protein truncation, as the last 47 amino acids are lost, and other loss-of-function variants have been reported downstream in HGMD; Not observed at significant frequency in large population cohorts (gnomAD); This variant is associated with the following publications: (PMID: 25525159, 27246466, 16917893, 31589614, 25087612, 23942198, Khamooshian2022[Computational], 36646061)

Genome-Nilou Lab
Classification: Pathogenic for 6-Pyruvoyl-tetrahydrobiopterin synthase deficiency. Last evaluated: 2021-09-05. Review status: criteria provided, single submitter. Criteria: ACMG Guidelines, 2015. Collection method: clinical testing. Allele origin: germline. Affected: no.

Natera, Inc.
Classification: Pathogenic for 6-Pyruvoyl-tetrahydrobiopterin synthase deficiency. Last evaluated: 2021-09-17. Review status: no assertion criteria provided. Collection method: clinical testing. Allele origin: germline. Not counted in ClinVar's aggregate classification.

Counsyl
Classification: Likely pathogenic for 6-Pyruvoyl-tetrahydrobiopterin synthase deficiency. Last evaluated: 2016-11-02. Review status: no assertion criteria provided. Collection method: clinical testing. Allele origin: unknown. Not counted in ClinVar's aggregate classification.

Literature cited by the submitters: PubMed 16917893 (cited by Labcorp Genetics (formerly Invitae), Labcorp); PubMed 23942198 (cited by Labcorp Genetics (formerly Invitae), Labcorp and Counsyl); PubMed 27246466 (cited by Labcorp Genetics (formerly Invitae), Labcorp).